The following is an entry in ClinVar:

NM_001377265.1(MAPT):c.677C>A (p.Ser226Tyr)

Gene: MAPT (microtubule associated protein tau). Cytogenetic location: 17q21.31.
Variant type: single nucleotide variant.
Coding change: c.677C>A on transcript NM_001377265.1 (MANE Select); coding-DNA position 677, C replaced by A.
Protein change: p.Ser226Tyr; replaces serine 226 with tyrosine.
Molecular consequence: missense variant. On other transcripts: intron variant (8).
Genome position (GRCh38, 1-based): chr17:45,983,256, C>A. VCF-style: chr17-45983256-C-A. GRCh37 (hg19) VCF-style: chr17-44060622-C-A.
Other names: c.452C>A, p.Ser151Tyr (NM_001123066.4, NM_016835.5); c.677C>A, p.Ser226Tyr (NM_001377266.1); c.200-3784C>A (NM_001377268.1, NM_016834.5, NM_016841.5); c.374-3784C>A (NM_005910.6, NM_001203252.2); c.287-3784C>A (NM_001123067.4, NM_001203251.2, NM_001377267.1); short protein forms S151Y, S226Y.
Identifiers: ClinVar variation 4086783 (VCV004086783.1).

ClinVar aggregate classification (germline): Uncertain significance (1 of 4 stars; one submission).

Submission:

GeneDx
Classification: Uncertain significance. Last evaluated: 2025-03-21. Review status: criteria provided, single submitter. Criteria: GeneDx Variant Classification Process June 2021. Collection method: clinical testing. Allele origin: germline. Affected: yes.
Comment: Not observed at significant frequency in large population cohorts (gnomAD); In silico analysis indicates that this missense variant does not alter protein structure/function; Has not been previously published as pathogenic or benign to our knowledge; Reported using an alternate transcript of the gene